The following is an entry in ClinVar:

ClinVar aggregate classification (germline): Uncertain significance (1 of 4 stars; one submission).

Submission:

GeneDx
Classification: Uncertain significance. Last evaluated: 2021-01-05. Review status: criteria provided, single submitter. Criteria: GeneDx Variant Classification Process June 2021. Collection method: clinical testing. Allele origin: germline. Affected: yes.
Comment: Not observed in large population cohorts (Lek et al., 2016); In silico analysis, which includes protein predictors and evolutionary conservation, supports a deleterious effect; Has not been previously published as pathogenic or benign to our knowledge

NM_018896.5(CACNA1G):c.484G>A (p.Ala162Thr)

Gene: CACNA1G (calcium voltage-gated channel subunit alpha1 G; plus strand). Cytogenetic location: 17q21.33.
Variant type: single nucleotide variant.
Coding change: c.484G>A on transcript NM_018896.5 (MANE Select); coding-DNA position 484, G replaced by A.
Protein change: p.Ala162Thr; replaces alanine 162 with threonine.
Molecular consequence: missense variant. On other transcripts: non-coding transcript variant (5).
Genome position (GRCh38, 1-based): chr17:50,569,294, G>A. VCF-style: chr17-50569294-G-A. GRCh37 (hg19) VCF-style: chr17-48646655-G-A.
Other names: c.484G>A, p.Ala162Thr (NM_001256324.2, NM_001256325.2, NM_001256326.2 and 24 more transcripts); short protein forms A162T.
Identifiers: ClinVar variation 1207403 (VCV001207403.3), dbSNP rs2144640478, ClinGen allele CA400227284.
Genomic context (GRCh38, chr17:50,569,294, plus strand): 5'-TTTGGGAAAAAGTGTTACCTGGGAGACACTTGGAACCGGCTTGACTTTTTCATCGTCATC[G>A]CAGGGTGAGGACCTGGGCTGGGGTGGGAGAGCAATGGATCAGATCGGTCCCTTCCCCGGG-3'
Protein context (NP_061496.2, residues 152-172): WNRLDFFIVI[Ala162Thr]GMLEYSLDLQ